The following is an entry in ClinVar:

NC_000016.9:g.(?_29824356)_(29825979_?)dup

Gene: PRRT2 (proline rich transmembrane protein 2; plus strand). Cytogenetic location: 16p11.2.
Variant type: Duplication.
Identifiers: ClinVar variation 468612 (VCV000468612.3).

ClinVar aggregate classification (germline): Uncertain significance (1 of 4 stars; one submission).

Conditions:
Episodic kinesigenic dyskinesia (EKD). Also called: Paroxysmal kinesigenic dyskinesia. Identifiers: Orphanet 98809, MedGen C1868682, MONDO:0044202.

Submission:

Labcorp Genetics (formerly Invitae), Labcorp
Classification: Uncertain significance for Paroxysmal kinesigenic dyskinesia. Last evaluated: 2019-12-23. Review status: criteria provided, single submitter. Criteria: Invitae Variant Classification Sherloc (09022015). Collection method: clinical testing. Allele origin: germline.
Comment: This variant results in a copy number gain of the genomic region encompassing the full coding sequence of the PRRT2 gene. The boundaries of this event are unknown as they extend beyond the assayed region for this gene and therefore may encompass additional genes. As the precise location of this event is unknown, it may be in tandem or it may be located elsewhere in the genome. A focal copy number gain involving only PRRT2 has not been reported in the literature but a gain of PRRT2 has been observed to be homozygous or hemizygous in an individual who was not affected with PRRT2-related disease (Invitae). However, a larger recurrent duplication of 550 kb that includes the entire PRRT2 gene and 27 neighboring genes has been reported in individuals with a 16p11.2 duplication syndrome (PMID: 24372385, 26629640, 19914906, 25421402, 26742926). ClinVar contains an entry for this variant (Variation ID: 468612). Experimental studies are not available for this variant, and the functional significance of a copy number gain of this gene is currently unknown. In summary, the available evidence is currently insufficient to determine the role of this variant in disease. Therefore, it has been classified as a Variant of Uncertain Significance.

Literature cited by the submitters: PubMed 25421402; PubMed 26742926; PubMed 26629640; PubMed 24372385; PubMed 19914906.